The following is an entry in ClinVar:

NM_005477.3(HCN4):c.1864A>C (p.Ile622Leu)

Gene: HCN4 (hyperpolarization activated cyclic nucleotide gated potassium channel 4; minus strand). Cytogenetic location: 15q24.1.
Variant type: single nucleotide variant.
Coding change: c.1864A>C on transcript NM_005477.3 (MANE Select); coding-DNA position 1864, A replaced by C.
Protein change: p.Ile622Leu; replaces isoleucine 622 with leucine.
Molecular consequence: missense variant.
Genome position (GRCh38, 1-based): chr15:73,325,069, T>G on the plus strand (A>C on the coding strand, the complement: HCN4 is on the minus strand). VCF-style: chr15-73325069-T-G. GRCh37 (hg19) VCF-style: chr15-73617410-T-G.
Other names: short protein forms I622L.
Identifiers: ClinVar variation 3686919 (VCV003686919.2).
Genomic context (GRCh38, chr15:73,325,069, plus strand): 5'-CGCTGACCACGCCATGCTGGATGAAGTACATCTTCTTGCCAATGGTGCCTTCCCGGATGA[T>G]GTAGTCCCCAGGCTGGAAGACCTCGAAACGCAGCTTGGTCAGCATGGACGTCACGAAGTT-3'
Protein context (NP_005468.1, residues 612-632): RFEVFQPGDY[Ile622Leu]IREGTIGKKM

ClinVar aggregate classification (germline): Uncertain significance (1 of 4 stars; one submission).

Conditions:
Brugada syndrome 8 (BRGDA8). Identifiers: Orphanet 130, MedGen C2751083, MONDO:0013148, OMIM 613123.

Submission:

Labcorp Genetics (formerly Invitae), Labcorp
Classification: Uncertain significance for Brugada syndrome 8. Last evaluated: 2025-04-14. Review status: criteria provided, single submitter. Criteria: Invitae Variant Classification Sherloc (09022015). Collection method: clinical testing. Allele origin: germline.
Comment: This sequence change replaces isoleucine, which is neutral and non-polar, with leucine, which is neutral and non-polar, at codon 622 of the HCN4 protein (p.Ile622Leu). This variant is not present in population databases (gnomAD no frequency). This variant has not been reported in the literature in individuals affected with HCN4-related conditions. ClinVar contains an entry for this variant (Variation ID: 3686919). Invitae Evidence Modeling of protein sequence and biophysical properties (such as structural, functional, and spatial information, amino acid conservation, physicochemical variation, residue mobility, and thermodynamic stability) has been performed for this missense variant. However, the output from this modeling did not meet the statistical confidence thresholds required to predict the impact of this variant on HCN4 protein function. In summary, the available evidence is currently insufficient to determine the role of this variant in disease. Therefore, it has been classified as a Variant of Uncertain Significance.